The following is an entry in ClinVar:

ClinVar aggregate classification (germline): Uncertain significance (1 of 4 stars; one submission).

Submission:

Labcorp Genetics (formerly Invitae), Labcorp
Classification: Uncertain significance. Last evaluated: 2025-06-01. Review status: criteria provided, single submitter. Criteria: Invitae Variant Classification Sherloc (09022015). Collection method: clinical testing. Allele origin: germline.
Comment: This variant, c.2397_2399del, results in the deletion of 1 amino acid(s) of the TAOK2 protein (p.Arg800del), but otherwise preserves the integrity of the reading frame. This variant is not present in population databases (gnomAD no frequency). This variant has not been reported in the literature in individuals affected with TAOK2-related conditions. Experimental studies and prediction algorithms are not available or were not evaluated, and the functional significance of this variant is currently unknown. In summary, the available evidence is currently insufficient to determine the role of this variant in disease. Therefore, it has been classified as a Variant of Uncertain Significance.

NM_016151.4(TAOK2):c.2397_2399del (p.Arg800del)

Gene: TAOK2 (TAO kinase 2; plus strand). Cytogenetic location: 16p11.2.
Variant type: Deletion.
Coding change: c.2397_2399del on transcript NM_016151.4 (MANE Select); coding-DNA positions 2397 to 2399, 3 bases deleted (AAG; older notation c.2397_2399delAAG).
Protein change: p.Arg800del; deletes arginine 800.
Molecular consequence: intron variant (on NM_004783.4).
Genome position (GRCh38, 1-based): chr16:29,986,669-29,986,671, AAG deleted; deleting any 3 consecutive bases within chr16:29,986,667-29,986,671 gives the same sequence; the c. name uses the placement nearest the transcript's 3' end. VCF-style (leftmost placement, unchanged base first): chr16-29986666-GAGA-G. GRCh37 (hg19) VCF-style: chr16-29997987-GAGA-G.
Other names: c.2232+165_2232+167del (NM_004783.4, NM_001252043.2); short protein forms R800del.
Identifiers: ClinVar variation 4774253 (VCV004774253.1).